The following is an entry in ClinVar:

ClinVar aggregate classification (germline): Uncertain significance (1 of 4 stars; one submission).

gnomAD v4.1: 1 of 1,587,446 alleles (0.000063%); highest among the groups gnomAD compares: Non-Finnish European, 0.000086%; no homozygotes.

Submission:

Mayo Clinic Laboratories, Mayo Clinic
Classification: Uncertain significance. Last evaluated: 2025-11-06. Review status: criteria provided, single submitter. Criteria: ACMG Guidelines, 2015. Collection method: clinical testing. Allele origin: germline. Observed: 1 variant allele.
Comment: BP4_moderate, PM2_supporting

NM_001365276.2(TNXB):c.4996C>G (p.Arg1666Gly)

Gene: TNXB (tenascin XB; minus strand). Cytogenetic location: 6p21.33.
Variant type: single nucleotide variant.
Coding change: c.4996C>G on transcript NM_001365276.2 (MANE Select); coding-DNA position 4996, C replaced by G.
Protein change: p.Arg1666Gly; replaces arginine 1666 with glycine.
Molecular consequence: missense variant.
Genome position (GRCh38, 1-based): chr6:32,070,409, G>C on the plus strand (C>G on the coding strand, the complement: TNXB is on the minus strand). VCF-style: chr6-32070409-G-C. GRCh37 (hg19) VCF-style: chr6-32038186-G-C.
Other names: p.Arg1666Gly; c.5737C>G, p.Arg1913Gly (NM_001428335.1); c.4996C>G, p.Arg1666Gly (NM_019105.8); short protein forms R1666G, R1913G.
Identifiers: ClinVar variation 4541142 (VCV004541142.1).